The following is an entry in ClinVar:

ClinVar aggregate classification (germline): Uncertain significance. Review status: criteria provided, multiple submitters, no conflicts (2 of 4 stars). 3 submissions from 3 submitters: Uncertain significance (3). Last evaluated 2024-11-02.

Conditions:
Cardiovascular phenotype. Identifiers: MedGen CN230736.
Hereditary cancer-predisposing syndrome. Also called: Hereditary neoplastic syndrome; Neoplastic Syndromes, Hereditary; Tumor predisposition; Hereditary Cancer Syndrome. Identifiers: Orphanet 140162, MedGen C0027672, MeSH D009386, MONDO:0015356.
Neurofibromatosis, type 1 (NF1). Also called: VON RECKLINGHAUSEN DISEASE; Peripheral type neurofibromatosis; NEUROFIBROMATOSIS, TYPE I, SOMATIC; Neurofibromatosis, type I. Identifiers: Orphanet 636, MedGen C0027831, MONDO:0018975, OMIM 162200. Disease mechanism: loss of function.

Allele frequency attached by ClinVar (database versions not stated): gnomAD exomes below 0.00001; ExAC 0.00001.
gnomAD v4.1: 5 of 1,614,040 alleles (0.00031%); highest among the groups gnomAD compares: Non-Finnish European, 0.00042%; no homozygotes.

Submissions (3):

Ambry Genetics
Classification: Uncertain significance for Cardiovascular phenotype; Hereditary cancer-predisposing syndrome. Last evaluated: 2024-11-02. Review status: criteria provided, single submitter. Criteria: Ambry Variant Classification Scheme 2023. Collection method: clinical testing. Allele origin: germline.
Comment: The p.A2797T variant (also known as c.8389G>A), located in coding exon 57 of the NF1 gene, results from a G to A substitution at nucleotide position 8389. The alanine at codon 2797 is replaced by threonine, an amino acid with similar properties. This amino acid position is highly conserved in available vertebrate species. In addition, the in silico prediction for this alteration is inconclusive. Since supporting evidence is limited at this time, the clinical significance of this alteration remains unclear.

Labcorp Genetics (formerly Invitae), Labcorp
Classification: Uncertain significance for Neurofibromatosis, type 1. Last evaluated: 2024-02-07. Review status: criteria provided, single submitter. Criteria: Invitae Variant Classification Sherloc (09022015). Collection method: clinical testing. Allele origin: germline.
Comment: This sequence change replaces alanine, which is neutral and non-polar, with threonine, which is neutral and polar, at codon 2797 of the NF1 protein (p.Ala2797Thr). This variant is present in population databases (rs771006452, gnomAD 0.0009%). This variant has not been reported in the literature in individuals affected with NF1-related conditions. ClinVar contains an entry for this variant (Variation ID: 484034). Advanced modeling of protein sequence and biophysical properties (such as structural, functional, and spatial information, amino acid conservation, physicochemical variation, residue mobility, and thermodynamic stability) has been performed at Invitae for this missense variant, however the output from this modeling did not meet the statistical confidence thresholds required to predict the impact of this variant on NF1 protein function. In summary, the available evidence is currently insufficient to determine the role of this variant in disease. Therefore, it has been classified as a Variant of Uncertain Significance.

GeneDx
Classification: Uncertain significance. Last evaluated: 2020-05-04. Review status: criteria provided, single submitter. Criteria: GeneDx Variant Classification Process June 2021. Collection method: clinical testing. Allele origin: germline. Affected: yes.
Comment: In silico analysis supports that this missense variant does not alter protein structure/function; Has not been previously published as pathogenic or benign to our knowledge

NM_001042492.3(NF1):c.8452G>A (p.Ala2818Thr)

Gene: NF1 (neurofibromin 1; plus strand). Cytogenetic location: 17q11.2.
Variant type: single nucleotide variant.
Coding change: c.8452G>A on transcript NM_001042492.3 (MANE Select); coding-DNA position 8452, G replaced by A.
Protein change: p.Ala2818Thr; replaces alanine 2818 with threonine.
Molecular consequence: missense variant.
Genome position (GRCh38, 1-based): chr17:31,374,087, G>A. VCF-style: chr17-31374087-G-A. GRCh37 (hg19) VCF-style: chr17-29701105-G-A.
Other names: c.8389G>A, p.Ala2797Thr (NM_000267.4); short protein forms A2797T, A2818T.
Identifiers: ClinVar variation 484034 (VCV000484034.13), dbSNP rs771006452, ClinGen allele CA8487822.
Genomic context (GRCh38, chr17:31,374,087, plus strand): 5'-AACGTTGAACTCTCCCCTACCACTGGCCACTGTAACAGTGGACGAACTCGCCACGGATCC[G>A]CAAGCCAAGTGCAGAAGCAAAGAAGCGCTGGCAGTTTCAAACGTAATAGCATTAAGAAGA-3'
Protein context (NP_001035957.1, residues 2808-2828): CNSGRTRHGS[Ala2818Thr]SQVQKQRSAG